The following is an entry in ClinVar:

NM_005850.5(SF3B4):c.682T>C (p.Leu228=)

Gene: SF3B4 (splicing factor 3b subunit 4; minus strand). Cytogenetic location: 1q21.2.
Variant type: single nucleotide variant.
Coding change: c.682T>C on transcript NM_005850.5 (MANE Select); coding-DNA position 682, T replaced by C.
Protein change: p.Leu228=; no amino-acid change (leucine 228 retained).
Molecular consequence: synonymous variant.
Genome position (GRCh38, 1-based): chr1:149,926,400, A>G on the plus strand (T>C on the coding strand, the complement: SF3B4 is on the minus strand). VCF-style: chr1-149926400-A-G. GRCh37 (hg19) VCF-style: chr1-149898292-A-G.
Identifiers: ClinVar variation 130291 (VCV000130291.19), dbSNP rs115070660, ClinGen allele CA155172.
Genomic context (GRCh38, chr1:149,926,400, plus strand): 5'-ACCTTAAGACAAACATATTTTAACCAAAAGCTTTACCTGGTGGAGGAAGCCCAGACCCCA[A>G]TGATGATACCACAGGATTGGGAGCAGAGGGTGGAGGAGGTGCATCTGCAAACAGCTGATG-3'
Protein context (NP_005841.1, residues 218-238): PSAPNPVVSS[Leu228=]GSGLPPPGMP

ClinVar aggregate classification (germline): Benign/Likely benign. Review status: criteria provided, multiple submitters, no conflicts (2 of 4 stars). 6 submissions from 6 submitters: Benign (3); Likely benign (2). 1 of the submissions does not count toward it. Last evaluated 2026-05-11.

Allele frequency attached by ClinVar (database versions not stated): ESP Exome Variant Server 0.01745; gnomAD exomes 0.01756 and 0.02398; 1000 Genomes Project 30x 0.01109; TOPMed 0.01552; ExAC 0.01753; gnomAD 0.01638 and 0.01627; 1000 Genomes Project 0.01138.
gnomAD v4.1: 37,199 of 1,611,792 alleles (2.3%); highest among the groups gnomAD compares: Non-Finnish European, 2.8%; 536 homozygotes.

Submissions (6):

Women's Health and Genetics/Laboratory Corporation of America, LabCorp
Classification: Benign. Last evaluated: 2026-05-11. Review status: criteria provided, single submitter. Criteria: LabCorp Variant Classification Summary - May 2015. Collection method: clinical testing. Allele origin: germline.

Labcorp Genetics (formerly Invitae), Labcorp
Classification: Benign. Last evaluated: 2026-01-27. Review status: criteria provided, single submitter. Criteria: Invitae Variant Classification Sherloc (09022015). Collection method: clinical testing. Allele origin: germline.

GeneDx
Classification: Likely benign. Last evaluated: 2021-08-22. Review status: criteria provided, single submitter. Criteria: GeneDx Variant Classification Process June 2021. Collection method: clinical testing. Allele origin: germline. Affected: yes.

Breakthrough Genomics
Classification: Likely benign. Review status: criteria provided, single submitter. Criteria: ACMG Guidelines, 2015. Collection method: not provided. Allele origin: germline. Inheritance: Autosomal dominant inheritance. Affected: yes.

PreventionGenetics, part of Exact Sciences
Classification: Benign. Review status: criteria provided, single submitter. Criteria: ACMG Guidelines, 2015. Collection method: clinical testing. Allele origin: germline.

Genetic Services Laboratory, University of Chicago
Classification: Likely benign for AllHighlyPenetrant. Review status: no assertion criteria provided. Collection method: clinical testing. Allele origin: germline. Inheritance: Autosomal dominant inheritance. Not counted in ClinVar's aggregate classification.
Comment: Likely benign based on allele frequency in 1000 Genomes Project or ESP global frequency and its presence in a patient with a rare or unrelated disease phenotype. NOT Sanger confirmed.